The following is an entry in ClinVar:

NM_000038.6(APC):c.5894A>G (p.His1965Arg)

Gene: APC (APC regulator of Wnt signaling pathway; plus strand). Cytogenetic location: 5q22.2.
Variant type: single nucleotide variant.
Coding change: c.5894A>G on transcript NM_000038.6 (MANE Select); coding-DNA position 5894, A replaced by G.
Protein change: p.His1965Arg; replaces histidine 1965 with arginine.
Molecular consequence: missense variant.
Genome position (GRCh38, 1-based): chr5:112,841,488, A>G. VCF-style: chr5-112841488-A-G. GRCh37 (hg19) VCF-style: chr5-112177185-A-G.
Other names: c.5894A>G, p.His1965Arg (NM_001127510.3, NM_001354895.2); c.5840A>G, p.His1947Arg (NM_001127511.3); c.5948A>G, p.His1983Arg (NM_001354896.2); c.5924A>G, p.His1975Arg (NM_001354897.2); c.5819A>G, p.His1940Arg (NM_001354898.2); c.5810A>G, p.His1937Arg (NM_001354899.2); c.5771A>G, p.His1924Arg (NM_001354900.2); c.5717A>G, p.His1906Arg (NM_001354901.2); and 5 more; short protein forms H1947R, H1965R, H1924R, H1975R, H1839R, H1864R, H1874R, H1682R.
Identifiers: ClinVar variation 470024 (VCV000470024.32), dbSNP rs773776516, ClinGen allele CA16034228.
Genomic context (GRCh38, chr5:112,841,488, plus strand): 5'-CAGCAACTGATGAAAAGTTACAGAATTTTGCTATTGAAAATACTCCGGTTTGCTTTTCTC[A>G]TAATTCCTCTCTGAGTTCTCTCAGTGACATTGACCAAGAAAACAACAATAAAGAAAATGA-3'
Protein context (NP_000029.2, residues 1955-1975): AIENTPVCFS[His1965Arg]NSSLSSLSDI

ClinVar aggregate classification (germline): Conflicting classifications of pathogenicity. Review status: criteria provided, conflicting classifications (1 of 4 stars). 8 submissions from 8 submitters: Uncertain significance (6); Likely benign (2). Last evaluated 2026-01-20.

Conditions:
APC-related disorder. Also called: APC-related condition.
APC-Associated Polyposis Disorders.
Hereditary cancer-predisposing syndrome. Also called: Hereditary neoplastic syndrome; Neoplastic Syndromes, Hereditary; Tumor predisposition; Hereditary Cancer Syndrome. Identifiers: Orphanet 140162, MedGen C0027672, MeSH D009386, MONDO:0015356.
Familial adenomatous polyposis 1 (FAP1). Also called: POLYPOSIS, ADENOMATOUS INTESTINAL; FAMILIAL ADENOMATOUS POLYPOSIS 1, ATTENUATED. Identifiers: MedGen C2713442, MONDO:0021056, OMIM 175100. Disease mechanism: loss of function.
Classic or attenuated familial adenomatous polyposis. Identifiers: MedGen CN372698, MONDO:0021057.

gnomAD v4.1: 24 of 1,613,728 alleles (0.0015%); highest among the groups gnomAD compares: Non-Finnish European, 0.0019%; no homozygotes.

Submissions (8):

Labcorp Genetics (formerly Invitae), Labcorp
Classification: Uncertain significance for Familial adenomatous polyposis 1. Last evaluated: 2026-01-20. Review status: criteria provided, single submitter. Criteria: Invitae Variant Classification Sherloc (09022015). Collection method: clinical testing. Allele origin: germline.
Comment: This sequence change replaces histidine, which is basic and polar, with arginine, which is basic and polar, at codon 1965 of the APC protein (p.His1965Arg). This variant is not present in population databases (gnomAD no frequency). This variant has not been reported in the literature in individuals affected with APC-related conditions. ClinVar contains an entry for this variant (Variation ID: 470024). Invitae Evidence Modeling of protein sequence and biophysical properties (such as structural, functional, and spatial information, amino acid conservation, physicochemical variation, residue mobility, and thermodynamic stability) indicates that this missense variant is not expected to disrupt APC protein function with a negative predictive value of 95%. In summary, the available evidence is currently insufficient to determine the role of this variant in disease. Therefore, it has been classified as a Variant of Uncertain Significance.

Color Diagnostics, LLC DBA Color Health
Classification: Likely benign for Hereditary cancer-predisposing syndrome. Last evaluated: 2025-11-19. Review status: criteria provided, single submitter. Criteria: ACMG Guidelines, 2015. Collection method: clinical testing. Allele origin: germline.

Center for Genomic Medicine, Rigshospitalet, Copenhagen University Hospital
Classification: Uncertain significance. Last evaluated: 2025-03-04. Review status: criteria provided, single submitter. Criteria: ACMG Guidelines, 2015. Collection method: clinical testing. Allele origin: germline.

All of Us Research Program, National Institutes of Health
Classification: Uncertain significance for Classic or attenuated familial adenomatous polyposis. Last evaluated: 2023-12-18. Review status: criteria provided, single submitter. Criteria: ACMG Guidelines, 2015. Collection method: clinical testing. Allele origin: germline. Inheritance: Autosomal dominant inheritance. Observed: 1 variant allele, 1 heterozygote.
Comment: This missense variant replaces histidine with arginine at codon 1965 of the APC protein. Computational prediction suggests that this variant may not impact protein structure and function (internally defined REVEL score threshold <= 0.5, PMID: 27666373). To our knowledge, functional studies have not been reported for this variant. This variant has been reported in individuals affected with suspected Lynch syndrome (PMID: 25980754) and colorectal cancer (PMID: 29338072). This variant has not been identified in the general population by the Genome Aggregation Database (gnomAD). The available evidence is insufficient to determine the role of this variant in disease conclusively. Therefore, this variant is classified as a Variant of Uncertain Significance.

This study involves interpretation of variants in research participants for the purpose of population health screening. Participant phenotype was not available at the time of variant classification. Additional details can be found in publication PMID: 35346344, PMCID: PMC8962531

Women's Health and Genetics/Laboratory Corporation of America, LabCorp
Classification: Uncertain significance. Last evaluated: 2023-11-22. Review status: criteria provided, single submitter. Criteria: LabCorp Variant Classification Summary - May 2015. Collection method: clinical testing. Allele origin: germline.
Comment: Variant summary: APC c.5894A>G (p.His1965Arg) results in a non-conservative amino acid change in the encoded protein sequence. Three of four in-silico tools predict a benign effect of the variant on protein function. The variant was absent in 250796 control chromosomes. The available data on variant occurrences in the general population are insufficient to allow any conclusion about variant significance. c.5894A>G has been reported in the literature in individuals affected with Lynch syndrome-associated cancer and/or polyps (Yurgelun_2015). These report(s) do not provide unequivocal conclusions about association of the variant with Familial Adenomatous Polyposis. To our knowledge, no experimental evidence demonstrating an impact on protein function has been reported. The following publication have been ascertained in the context of this evaluation (PMID: 25980754). Six submitters have cited clinical-significance assessments for this variant to ClinVar after 2014: Five submitters classified the variant as VUS while one classified as likely benign. Based on the evidence outlined above, the variant was classified as uncertain significance.

PreventionGenetics, part of Exact Sciences
Classification: Uncertain significance for APC-related condition. Last evaluated: 2023-01-26. Review status: criteria provided, single submitter. Criteria: ACMG Guidelines, 2015. Collection method: clinical testing. Allele origin: germline.
Comment: The APC c.5894A>G variant is predicted to result in the amino acid substitution p.His1965Arg. This variant was reported as uncertain significance in an individual with Lynch syndrome-associated cancer and/or polyps (Table S2, Yurgelun et al. 2015. PubMed ID: 25980754). To our knowledge, this variant has not been reported in a large population database, indicating this variant is rare. This variant has conflicting interpretations of pathogenicity in ClinVar ranging from likely benign to uncertain. At this time, the clinical significance of this variant is uncertain due to the absence of conclusive functional and genetic evidence.

Ambry Genetics
Classification: Likely benign for Hereditary cancer-predisposing syndrome. Last evaluated: 2019-03-19. Review status: criteria provided, single submitter. Criteria: Ambry Variant Classification Scheme 2023. Collection method: clinical testing. Allele origin: germline.

Illumina Laboratory Services, Illumina
Classification: Uncertain significance for APC-Associated Polyposis Disorders. Last evaluated: 2018-01-13. Review status: criteria provided, single submitter. Criteria: ICSL Variant Classification Criteria 13 December 2019. Collection method: clinical testing. Allele origin: germline.

Literature cited by the submitters: PubMed 25980754 (cited by 3 submitters); PubMed 29338072 (cited by All of Us Research Program, National Institutes of Health).